The following is an entry in ClinVar:

ClinVar aggregate classification (germline): Uncertain significance (1 of 4 stars; one submission).

Allele frequency attached by ClinVar (database versions not stated): ExAC 0.00003; gnomAD exomes 0.00003; TOPMed 0.00004; gnomAD 0.00005; ESP Exome Variant Server 0.00008.
gnomAD v4.1: 52 of 1,613,788 alleles (0.0032%); highest among the groups gnomAD compares: African/African-American, 0.0093%; no homozygotes.

Submission:

Labcorp Genetics (formerly Invitae), Labcorp
Classification: Uncertain significance. Last evaluated: 2024-11-05. Review status: criteria provided, single submitter. Criteria: Invitae Variant Classification Sherloc (09022015). Collection method: clinical testing. Allele origin: germline.
Comment: This sequence change replaces arginine, which is basic and polar, with tryptophan, which is neutral and slightly polar, at codon 267 of the RUNX2 protein (p.Arg267Trp). This variant is present in population databases (rs370486033, gnomAD 0.007%). This variant has not been reported in the literature in individuals affected with RUNX2-related conditions. ClinVar contains an entry for this variant (Variation ID: 2421058). Invitae Evidence Modeling of protein sequence and biophysical properties (such as structural, functional, and spatial information, amino acid conservation, physicochemical variation, residue mobility, and thermodynamic stability) indicates that this missense variant is not expected to disrupt RUNX2 protein function with a negative predictive value of 80%. In summary, the available evidence is currently insufficient to determine the role of this variant in disease. Therefore, it has been classified as a Variant of Uncertain Significance.

NM_001024630.4(RUNX2):c.799C>T (p.Arg267Trp)

Gene: RUNX2 (RUNX family transcription factor 2; plus strand). Cytogenetic location: 6p21.1.
Variant type: single nucleotide variant.
Coding change: c.799C>T on transcript NM_001024630.4 (MANE Select); coding-DNA position 799, C replaced by T.
Protein change: p.Arg267Trp; replaces arginine 267 with tryptophan.
Molecular consequence: missense variant.
Genome position (GRCh38, 1-based): chr6:45,492,054, C>T. VCF-style: chr6-45492054-C-T. GRCh37 (hg19) VCF-style: chr6-45459791-C-T.
Other names: c.799C>T, p.Arg267Trp (NM_001015051.4); c.757C>T, p.Arg253Trp (NM_001278478.2, NM_001369405.1, NM_004348.3); short protein forms R253W, R267W.
Identifiers: ClinVar variation 2421058 (VCV002421058.6), dbSNP rs370486033, ClinGen allele CA3836493.